The following is an entry in ClinVar:

NM_006348.5(COG5):c.846A>G (p.Gly282=)

Gene: COG5 (component of oligomeric golgi complex 5; minus strand). Cytogenetic location: 7q22.3.
Variant type: single nucleotide variant.
Coding change: c.846A>G on transcript NM_006348.5 (MANE Select); coding-DNA position 846, A replaced by G.
Protein change: p.Gly282=; no amino-acid change (glycine 282 retained).
Molecular consequence: synonymous variant. On other transcripts: intron variant (2).
Genome position (GRCh38, 1-based): chr7:107,362,410, T>C on the plus strand (A>G on the coding strand, the complement: COG5 is on the minus strand). VCF-style: chr7-107362410-T-C. GRCh37 (hg19) VCF-style: chr7-107002855-T-C.
Other names: c.846A>G, p.Gly282= (NM_001161520.2, NM_001379511.1, NM_001379512.1 and 3 more transcripts); c.235-300A>G (NM_001379516.1); c.539-64064A>G (NM_001379515.1); c.939A>G (NM_006348.3).
Identifiers: ClinVar variation 1983275 (VCV001983275.6), dbSNP rs761457649, ClinGen allele CA457175716.

ClinVar aggregate classification (germline): Likely benign. Review status: criteria provided, single submitter (1 of 4 stars). 2 submissions from 2 submitters: Likely benign (1). 1 of the submissions does not count toward it. Last evaluated 2025-01-19.

Conditions:
COG5-related disorder. Also called: COG5-related condition.
COG5-congenital disorder of glycosylation. Also called: COG5-CDG; CDG IIi; CONGENITAL DISORDER OF GLYCOSYLATION, TYPE IIi. Identifiers: Orphanet 263487, MedGen C3150876, MONDO:0013325, OMIM 613612.

Allele frequency attached by ClinVar (database versions not stated): TOPMed below 0.00001.
gnomAD v4.1: 1 of 1,612,600 alleles (0.000062%); highest among the groups gnomAD compares: Admixed American, 0.0017%; no homozygotes.

Submissions (2):

Labcorp Genetics (formerly Invitae), Labcorp
Classification: Likely benign for COG5-congenital disorder of glycosylation. Last evaluated: 2025-01-19. Review status: criteria provided, single submitter. Criteria: Invitae Variant Classification Sherloc (09022015). Collection method: clinical testing. Allele origin: germline.

PreventionGenetics, part of Exact Sciences
Classification: Likely benign for COG5-related condition. Last evaluated: 2022-07-15. Review status: no assertion criteria provided. Collection method: clinical testing. Allele origin: germline. Not counted in ClinVar's aggregate classification.
Comment: This variant is classified as likely benign based on ACMG/AMP sequence variant interpretation guidelines (Richards et al. 2015 PMID: 25741868, with internal and published modifications).